The following is an entry in ClinVar:

ClinVar aggregate classification (germline): Benign/Likely benign. Review status: criteria provided, multiple submitters, no conflicts (2 of 4 stars). 3 submissions from 3 submitters: Benign (1); Likely benign (2). Last evaluated 2026-01-28.

Conditions:
PRPF31-related disorder. Also called: PRPF31-related condition.

Allele frequency attached by ClinVar (database versions not stated): gnomAD 0.00001; gnomAD exomes 0.00007 and 0.00018; ExAC 0.00070.

Submissions (3):

PreventionGenetics, part of Exact Sciences
Classification: Likely benign for PRPF31-related condition. Last evaluated: 2026-01-28. Review status: criteria provided, single submitter. Criteria: ACMG Guidelines, 2015. Collection method: clinical testing. Allele origin: germline.
Comment: This variant is classified as likely benign based on ACMG/AMP sequence variant interpretation guidelines (Richards et al. 2015 PMID: 25741868, with internal and published modifications).

Blueprint Genetics
Classification: Likely benign. Last evaluated: 2024-04-15. Review status: criteria provided, single submitter. Criteria: ACMG Guidelines, 2015. Collection method: clinical testing. Allele origin: germline.

Labcorp Genetics (formerly Invitae), Labcorp
Classification: Benign. Last evaluated: 2023-09-01. Review status: criteria provided, single submitter. Criteria: Invitae Variant Classification Sherloc (09022015). Collection method: clinical testing. Allele origin: germline.

NM_015629.4(PRPF31):c.1122G>A (p.Gln374=)

Gene: PRPF31 (pre-mRNA processing factor 31; plus strand). Cytogenetic location: 19q13.42.
Variant type: single nucleotide variant.
Coding change: c.1122G>A on transcript NM_015629.4 (MANE Select); coding-DNA position 1122, G replaced by A.
Protein change: p.Gln374=; no amino-acid change (glutamine 374 retained).
Molecular consequence: synonymous variant.
Genome position (GRCh38, 1-based): chr19:54,128,353, G>A. VCF-style: chr19-54128353-G-A. GRCh37 (hg19) VCF-style: chr19-54631728-G-A.
Other names: c.1122G>A (NM_015629.3).
Identifiers: ClinVar variation 1601773 (VCV001601773.10), dbSNP rs750724844, ClinGen allele CA309329594.